The following is an entry in ClinVar:

NM_001395413.1(POR):c.422G>A (p.Gly141Asp)

Gene: POR (cytochrome p450 oxidoreductase; plus strand). Cytogenetic location: 7q11.23.
Variant type: single nucleotide variant.
Coding change: c.422G>A on transcript NM_001395413.1 (MANE Select); coding-DNA position 422, G replaced by A.
Protein change: p.Gly141Asp; replaces glycine 141 with aspartic acid.
Molecular consequence: missense variant.
Genome position (GRCh38, 1-based): chr7:75,980,403, G>A. VCF-style: chr7-75980403-G-A. GRCh37 (hg19) VCF-style: chr7-75609721-G-A.
Other names: c.422G>A, p.Gly141Asp (NM_001367562.3, NM_001382657.2, NM_001382658.3 and 2 more transcripts); c.476G>A, p.Gly159Asp (NM_001382655.3); short protein forms G141D, G159D.
Identifiers: ClinVar variation 3603308 (VCV003603308.1).

ClinVar aggregate classification (germline): Uncertain significance (1 of 4 stars; one submission).

Conditions:
Antley-Bixler syndrome with genital anomalies and disordered steroidogenesis (ABS1). Also called: POR Deficiency. Identifiers: Orphanet 63269, MedGen C3150099, MONDO:0008726, OMIM 201750.

Submission:

Neuberg Centre For Genomic Medicine, NCGM
Classification: Uncertain significance for Antley-Bixler syndrome with genital anomalies and disordered steroidogenesis. Review status: criteria provided, single submitter. Criteria: ACMG Guidelines, 2015. Collection method: clinical testing. Allele origin: germline. Inheritance: Autosomal recessive inheritance. Affected: yes.
Comment: The missense c.431G>A (p.Gly144Asp) variant in POR gene has not been reported previously as a pathogenic variant nor as a benign variant, to our knowledge. The p.Gly144Asp variant is absent in gnomAD Exomes. This variant has not been submitted to the ClinVar database. Computational evidence (Mutation Taster - Disease causing) predicts damaging effect on protein structure and function for this variant. The reference amino acid at this position on POR gene is predicted as conserved by GERP++ and PhyloP across 100 vertebrates. The amino acid Gly at position 144 is changed to a Asp changing protein sequence and it might alter its composition and physico-chemical properties. For these reasons, this variant has been classified as Variant of Uncertain Significance (VUS).